The following is an entry in ClinVar:

ClinVar aggregate classification (germline): Likely pathogenic (1 of 4 stars; one submission).

Conditions:
Spermatogenic failure 78. Identifiers: MedGen C5774276, MONDO:0859338, OMIM 620170.

Submission:

First Genomix Gene Laboratory, Genetic Diagnostics Department
Classification: Likely pathogenic for Spermatogenic failure 78. Last evaluated: 2025-05-24. Review status: criteria provided, single submitter. Criteria: ACMG Guidelines, 2015. Collection method: clinical testing. Allele origin: germline. Inheritance: Autosomal recessive inheritance. Affected: no. Observed: 1 variant allele.

NM_001145304.2(IQCN):c.2453del (p.Gln818fs)

Gene: IQCN (IQ motif containing N; minus strand). Cytogenetic location: 19p13.11.
Variant type: Deletion.
Coding change: c.2453del on transcript NM_001145304.2 (MANE Select); coding-DNA position 2453, one base deleted (A; older notation c.2453delA).
Protein change: p.Gln818fs; shifts the reading frame from glutamine 818.
Molecular consequence: frameshift variant.
Genome position (GRCh38, 1-based): chr19:18,265,087, T deleted on the plus strand (A on the coding strand, the reverse complement: IQCN is on the minus strand). VCF-style (leftmost placement, unchanged base first): chr19-18265086-CT-C. GRCh37 (hg19) VCF-style: chr19-18375896-CT-C.
Other names: c.2315del, p.Gln772fs (NM_001145305.2); c.2453del, p.Gln818fs (NM_025249.4); c.2453delA (NM_001145304.2); short protein forms Q772fs, Q818fs.
Identifiers: ClinVar variation 4849466 (VCV004849466.1).